The following is an entry in ClinVar:

NM_025144.4(ALPK1):c.1677dup (p.Ser560fs)

Gene: ALPK1 (alpha kinase 1; plus strand). Cytogenetic location: 4q25.
Variant type: Duplication.
Coding change: c.1677dup on transcript NM_025144.4 (MANE Select); coding-DNA position 1677, one base duplicated (A; older notation c.1677dupA).
Protein change: p.Ser560fs; shifts the reading frame from serine 560.
Molecular consequence: frameshift variant.
Genome position (GRCh38, 1-based): chr4:112,431,224, A duplicated. VCF-style (leftmost placement, unchanged base first): chr4-112431223-C-CA. GRCh37 (hg19) VCF-style: chr4-113352379-C-CA.
Other names: c.1677dup, p.Ser560fs (NM_001102406.2); c.1443dup, p.Ser482fs (NM_001253884.2); short protein forms S482fs, S560fs.
Identifiers: ClinVar variation 1911025 (VCV001911025.6), dbSNP rs749594378, ClinGen allele CA3046773.

ClinVar aggregate classification (germline): Uncertain significance. Review status: criteria provided, multiple submitters, no conflicts (2 of 4 stars). 2 submissions from 2 submitters: Uncertain significance (2). Last evaluated 2025-04-10.

Conditions:
Retinal dystrophy, optic nerve edema, splenomegaly, anhidrosis, and migraine headache syndrome. Also called: ALPK1-Related Autoinflammatory Disease; Splenomegaly, cytopenia, and vision loss; Optic nerve edema-splenomegaly syndrome; ROSAH syndrome. Identifiers: Orphanet 313800, MedGen C4749914, MONDO:0013999, OMIM 614979.

Allele frequency attached by ClinVar (database versions not stated): gnomAD exomes 0.00001; ExAC 0.00002; TOPMed 0.00003; gnomAD 0.00004.

Submissions (2):

Labcorp Genetics (formerly Invitae), Labcorp
Classification: Uncertain significance. Last evaluated: 2025-04-10. Review status: criteria provided, single submitter. Criteria: Invitae Variant Classification Sherloc (09022015). Collection method: clinical testing. Allele origin: germline.
Comment: This sequence change creates a premature translational stop signal (p.Ser560Ilefs*7) in the ALPK1 gene. It is expected to result in an absent or disrupted protein product. However, the current clinical and genetic evidence is not sufficient to establish whether loss-of-function variants in ALPK1 cause disease. This variant is present in population databases (rs749594378, gnomAD 0.004%). This variant has not been reported in the literature in individuals affected with ALPK1-related conditions. ClinVar contains an entry for this variant (Variation ID: 1911025). In summary, the available evidence is currently insufficient to determine the role of this variant in disease. Therefore, it has been classified as a Variant of Uncertain Significance.

Fulgent Genetics
Classification: Uncertain significance for Retinal dystrophy, optic nerve edema, splenomegaly, anhidrosis, and migraine headache syndrome. Last evaluated: 2024-06-05. Review status: criteria provided, single submitter. Criteria: ACMG Guidelines, 2015. Collection method: clinical testing. Allele origin: germline.